The following is an entry in ClinVar:

NM_014208.3(DSPP):c.818G>A (p.Ser273Asn)

Genes: DMP1-AS1 (DMP1 and DSPP antisense RNA 1; minus strand), DSPP (dentin sialophosphoprotein; plus strand). Cytogenetic location: 4q22.1.
Variant type: single nucleotide variant.
Coding change: c.818G>A on transcript NM_014208.3 (MANE Select); coding-DNA position 818, G replaced by A.
Protein change: p.Ser273Asn; replaces serine 273 with asparagine.
Molecular consequence: missense variant.
Genome position (GRCh38, 1-based): chr4:87,613,004, G>A. VCF-style: chr4-87613004-G-A. GRCh37 (hg19) VCF-style: chr4-88534156-G-A.
Other names: short protein forms S273N.
Identifiers: ClinVar variation 4689917 (VCV004689917.1).

ClinVar aggregate classification (germline): Uncertain significance (1 of 4 stars; one submission).

gnomAD v4.1: 10 of 1,614,166 alleles (0.00062%); highest among the groups gnomAD compares: Non-Finnish European, 0.00085%; no homozygotes.

Submission:

GeneDx
Classification: Uncertain significance. Last evaluated: 2025-07-27. Review status: criteria provided, single submitter. Criteria: GeneDx Variant Classification Process June 2021. Collection method: clinical testing. Allele origin: germline. Affected: yes.
Comment: Not observed at significant frequency in large population cohorts (gnomAD); In silico analysis suggests that this missense variant does not alter protein structure/function; Has not been previously published as pathogenic or benign to our knowledge